The following is an entry in ClinVar:

ClinVar aggregate classification (germline): Uncertain significance (1 of 4 stars; one submission).

Conditions:
Intellectual developmental disorder, autosomal dominant 1. Also called: Intellectual disability, autosomal dominant 1; MBD5 Haploinsufficiency. Identifiers: Orphanet 228402, MedGen C1969562, MONDO:0007974, OMIM 156200.

Allele frequency attached by ClinVar (database versions not stated): gnomAD 0.00001.
gnomAD v4.1: 1 of 1,614,072 alleles (0.000062%); highest among the groups gnomAD compares: Non-Finnish European, 0.000085%; no homozygotes.

Submission:

Labcorp Genetics (formerly Invitae), Labcorp
Classification: Uncertain significance for Intellectual developmental disorder, autosomal dominant 1. Last evaluated: 2021-02-17. Review status: criteria provided, single submitter. Criteria: Invitae Variant Classification Sherloc (09022015). Collection method: clinical testing. Allele origin: germline.
Comment: In summary, the available evidence is currently insufficient to determine the role of this variant in disease. Therefore, it has been classified as a Variant of Uncertain Significance. Algorithms developed to predict the effect of missense changes on protein structure and function are either unavailable or do not agree on the potential impact of this missense change (SIFT: "Deleterious"; PolyPhen-2: "Not Available"; Align-GVGD: "Class C55"). This variant has not been reported in the literature in individuals with MBD5-related conditions. This variant is not present in population databases (ExAC no frequency). This sequence change replaces glutamic acid with lysine at codon 1406 of the MBD5 protein (p.Glu1406Lys). The glutamic acid residue is highly conserved and there is a small physicochemical difference between glutamic acid and lysine.

NM_001378120.1(MBD5):c.4915G>A (p.Glu1639Lys)

Gene: MBD5 (methyl-CpG binding domain protein 5; plus strand). Cytogenetic location: 2q23.1.
Variant type: single nucleotide variant.
Coding change: c.4915G>A on transcript NM_001378120.1 (MANE Select); coding-DNA position 4915, G replaced by A.
Protein change: p.Glu1639Lys; replaces glutamic acid 1639 with lysine.
Molecular consequence: missense variant.
Genome position (GRCh38, 1-based): chr2:148,490,547, G>A. VCF-style: chr2-148490547-G-A. GRCh37 (hg19) VCF-style: chr2-149248116-G-A.
Other names: c.4216G>A, p.Glu1406Lys (NM_018328.5); short protein forms E1406K, E1639K.
Identifiers: ClinVar variation 1409864 (VCV001409864.8), dbSNP rs1395912880, ClinGen allele CA348731947.
Genomic context (GRCh38, chr2:148,490,547, plus strand): 5'-GGCGACTTGGTCTGGGGCCAAATCAAAGGACTGACTTCCTGGCCTGGAAAATTAGTAAGA[G>A]AAGACGACGTTCACAATTCATGTCAACAAAGCCCCGAGGAAGGGAAGGTATACCAATCTT-3'
Protein context (NP_001365049.1, residues 1629-1649): LTSWPGKLVR[Glu1639Lys]DDVHNSCQQS